The following is an entry in ClinVar:

NM_002230.4(JUP):c.1952G>T (p.Arg651Leu)

Gene: JUP (junction plakoglobin; minus strand). Cytogenetic location: 17q21.2.
Variant type: single nucleotide variant.
Coding change: c.1952G>T on transcript NM_002230.4 (MANE Select); coding-DNA position 1952, G replaced by T.
Protein change: p.Arg651Leu; replaces arginine 651 with leucine.
Molecular consequence: missense variant.
Genome position (GRCh38, 1-based): chr17:41,757,509, C>A on the plus strand (G>T on the coding strand, the complement: JUP is on the minus strand). VCF-style: chr17-41757509-C-A. GRCh37 (hg19) VCF-style: chr17-39913761-C-A.
Other names: c.1952G>T, p.Arg651Leu (NM_001352773.2, NM_001352774.2, NM_001352775.2 and 3 more transcripts); short protein forms R651L.
Identifiers: ClinVar variation 4791706 (VCV004791706.1).

ClinVar aggregate classification (germline): Uncertain significance (1 of 4 stars; one submission).

Conditions:
Arrhythmogenic right ventricular dysplasia 12. Also called: ARRHYTHMOGENIC RIGHT VENTRICULAR DYSPLASIA, FAMILIAL, 12. Identifiers: MedGen C1969081, MONDO:0012684, OMIM 611528.
Naxos disease (NXD). Also called: CARDIOMYOPATHY, ARRHYTHMOGENIC RIGHT VENTRICULAR, WITH SKIN, HAIR, AND NAIL ABNORMALITIES; KERATOSIS PALMOPLANTARIS WITH ARRHYTHMOGENIC CARDIOMYOPATHY; MAL DE NAXOS; PALMOPLANTAR KERATODERMA WITH ARRHYTHMOGENIC RIGHT VENTRICULAR CARDIOMYOPATHY AND WOOLLY HAIR; WOOLLY HAIR, PALMOPLANTAR KERATODERMA, AND CARDIAC ABNORMALITIES. Identifiers: Orphanet 34217, MedGen C1832600, MONDO:0011017, OMIM 601214.

Submission:

Labcorp Genetics (formerly Invitae), Labcorp
Classification: Uncertain significance for Arrhythmogenic right ventricular dysplasia 12; Naxos disease. Last evaluated: 2025-09-25. Review status: criteria provided, single submitter. Criteria: Invitae Variant Classification Sherloc (09022015). Collection method: clinical testing. Allele origin: germline.
Comment: This sequence change replaces arginine, which is basic and polar, with leucine, which is neutral and non-polar, at codon 651 of the JUP protein (p.Arg651Leu). This variant is not present in population databases (gnomAD no frequency). This variant has not been reported in the literature in individuals affected with JUP-related conditions. An algorithm developed to predict the effect of missense changes on protein structure and function (PolyPhen-2) suggests that this variant is likely to be disruptive. In summary, the available evidence is currently insufficient to determine the role of this variant in disease. Therefore, it has been classified as a Variant of Uncertain Significance.